The following is an entry in ClinVar:

NM_024642.5(GALNT12):c.897del (p.Gln299fs)

Gene: GALNT12 (polypeptide N-acetylgalactosaminyltransferase 12; plus strand). Cytogenetic location: 9q22.33.
Variant type: Deletion.
Coding change: c.897del on transcript NM_024642.5 (MANE Select); coding-DNA position 897, one base deleted (A; older notation c.897delA).
Protein change: p.Gln299fs; shifts the reading frame from glutamine 299.
Molecular consequence: frameshift variant.
Genome position (GRCh38, 1-based): chr9:98,831,937, A deleted; the last of 2 consecutive A bases (chr9:98,831,936-98,831,937); deleting either gives the same sequence. VCF-style (leftmost placement, unchanged base first): chr9-98831935-CA-C. GRCh37 (hg19) VCF-style: chr9-101594217-CA-C.
Other names: short protein forms Q299fs.
Identifiers: ClinVar variation 1765312 (VCV001765312.7), dbSNP rs2490518518, ClinGen allele CA2579399267.
Genomic context (GRCh38, chr9:98,831,935, plus strand): 5'-TTCGACTGGAGGCTGGTGTTCACGTGGCACACAGTTCCTGAGAGGGAGAGGATACGGATG[CA>C]ATCCCCCGTCGATGTCATCAGGTCAGGAGCTGACTTCTGGGTGACTTGTTTTTTAAGCAT-3'

ClinVar aggregate classification (germline): Uncertain significance. Review status: criteria provided, multiple submitters, no conflicts (2 of 4 stars). 2 submissions from 2 submitters: Uncertain significance (2). Last evaluated 2024-03-11.

Submissions (2):

Ambry Genetics
Classification: Uncertain significance. Last evaluated: 2024-03-11. Review status: criteria provided, single submitter. Criteria: Ambry Variant Classification Scheme 2023. Collection method: clinical testing. Allele origin: germline.
Comment: The c.897delA variant, located in coding exon 4 of the GALNT12 gene, results from a deletion of one nucleotide at nucleotide position 897, causing a translational frameshift with a predicted alternate stop codon (p.Q299Hfs*19). This alteration is expected to result in loss of function by premature protein truncation or nonsense-mediated mRNA decay. The evidence for this gene-disease relationship is limited; therefore, the clinical significance of this alteration is unclear.

Labcorp Genetics (formerly Invitae), Labcorp
Classification: Uncertain significance. Last evaluated: 2022-08-09. Review status: criteria provided, single submitter. Criteria: Invitae Variant Classification Sherloc (09022015). Collection method: clinical testing. Allele origin: germline.
Comment: This sequence change creates a premature translational stop signal (p.Gln299Hisfs*19) in the GALNT12 gene. It is expected to result in an absent or disrupted protein product. However, the current clinical and genetic evidence is not sufficient to establish whether loss-of-function variants in GALNT12 cause disease. In summary, the available evidence is currently insufficient to determine the role of this variant in disease. Therefore, it has been classified as a Variant of Uncertain Significance. This variant has not been reported in the literature in individuals affected with GALNT12-related conditions. This variant is not present in population databases (gnomAD no frequency).